The following is an entry in ClinVar:

NM_018451.5(CPAP):c.2167_2168del (p.Arg723fs)

Gene: CPAP (centrosome assembly and centriole elongation protein; minus strand). Cytogenetic location: 13q12.13.
Variant type: Microsatellite.
Coding change: c.2167_2168del on transcript NM_018451.5 (MANE Select); coding-DNA positions 2167 to 2168, 2 bases deleted (AG; older notation c.2167_2168delAG).
Protein change: p.Arg723fs; shifts the reading frame from arginine 723.
Molecular consequence: frameshift variant. On other transcripts: non-coding transcript variant (2).
Genome position (GRCh38, 1-based): chr13:24,905,870-24,905,871, CT deleted on the plus strand (AG on the coding strand, the reverse complement: CPAP is on the minus strand); deleting any 2 consecutive bases within chr13:24,905,870-24,905,877 gives the same sequence; the c. name uses the placement nearest the transcript's 3' end. VCF-style (leftmost placement, unchanged base first): chr13-24905869-CCT-C. GRCh37 (hg19) VCF-style: chr13-25480007-CCT-C.
Other names: c.2167_2168delAG (NM_018451.3); c.2167_2168del (NM_018451.3); short protein forms R723fs.
Identifiers: ClinVar variation 419675 (VCV000419675.3), dbSNP rs1064794036, ClinGen allele CA16619621.

ClinVar aggregate classification (germline): Likely pathogenic (1 of 4 stars; one submission).

Submission:

GeneDx
Classification: Likely pathogenic. Last evaluated: 2025-02-19. Review status: criteria provided, single submitter. Criteria: GeneDx Variant Classification Process June 2021. Collection method: clinical testing. Allele origin: germline. Affected: yes.
Comment: Frameshift variant predicted to result in protein truncation or nonsense mediated decay in a gene for which loss of function is a known mechanism of disease; Not observed at significant frequency in large population cohorts (gnomAD); Has not been previously published as pathogenic or benign to our knowledge